The following is an entry in ClinVar:

NM_001558.4(IL10RA):c.580A>T (p.Thr194Ser)

Gene: IL10RA (interleukin 10 receptor subunit alpha; plus strand). Cytogenetic location: 11q23.3.
Variant type: single nucleotide variant.
Coding change: c.580A>T on transcript NM_001558.4 (MANE Select); coding-DNA position 580, A replaced by T.
Protein change: p.Thr194Ser; replaces threonine 194 with serine.
Molecular consequence: missense variant. On other transcripts: non-coding transcript variant (1).
Genome position (GRCh38, 1-based): chr11:117,994,041, A>T. VCF-style: chr11-117994041-A-T. GRCh37 (hg19) VCF-style: chr11-117864756-A-T.
Other names: short protein forms T194S.
Identifiers: ClinVar variation 940801 (VCV000940801.9), dbSNP rs2058040889, ClinGen allele CA382775414.

ClinVar aggregate classification (germline): Uncertain significance (1 of 4 stars; one submission).

Conditions:
Inflammatory bowel disease 28. Also called: Inflammatory bowel disease 28, early onset, autosomal recessive. Identifiers: Orphanet 238569, MedGen C2751053, MONDO:0013153, OMIM 613148.

Submission:

Labcorp Genetics (formerly Invitae), Labcorp
Classification: Uncertain significance for Inflammatory bowel disease 28. Last evaluated: 2019-09-11. Review status: criteria provided, single submitter. Criteria: Invitae Variant Classification Sherloc (09022015). Collection method: clinical testing. Allele origin: germline.
Comment: This sequence change replaces threonine with serine at codon 194 of the IL10RA protein (p.Thr194Ser). The threonine residue is weakly conserved and there is a small physicochemical difference between threonine and serine. This variant is not present in population databases (ExAC no frequency). In summary, the available evidence is currently insufficient to determine the role of this variant in disease. Therefore, it has been classified as a Variant of Uncertain Significance. Algorithms developed to predict the effect of missense changes on protein structure and function (SIFT, PolyPhen-2, Align-GVGD) all suggest that this variant is likely to be tolerated, but these predictions have not been confirmed by published functional studies and their clinical significance is uncertain. This variant has not been reported in the literature in individuals with IL10RA-related conditions.